The following is an entry in ClinVar:

ClinVar aggregate classification (germline): Uncertain significance (1 of 4 stars; one submission).

Submission:

Labcorp Genetics (formerly Invitae), Labcorp
Classification: Uncertain significance. Last evaluated: 2025-05-18. Review status: criteria provided, single submitter. Criteria: Invitae Variant Classification Sherloc (09022015). Collection method: clinical testing. Allele origin: germline.
Comment: The TCF3 gene has multiple clinically relevant transcripts. This variant occurs in alternate transcript NM_001136139.3, and corresponds to NM_003200.4:c.1823-583A>G in the primary transcript. This sequence change replaces serine, which is neutral and polar, with glycine, which is neutral and non-polar, at codon 530 of the TCF3 protein (p.Ser530Gly). This variant is not present in population databases (gnomAD no frequency). This variant has not been reported in the literature in individuals affected with TCF3-related conditions. Experimental studies and prediction algorithms are not available or were not evaluated, and the functional significance of this variant is currently unknown. Algorithms developed to predict the effect of sequence changes on RNA splicing suggest that this variant is not likely to affect RNA splicing. In summary, the available evidence is currently insufficient to determine the role of this variant in disease. Therefore, it has been classified as a Variant of Uncertain Significance.

NM_001136139.4(TCF3):c.1588A>G (p.Ser530Gly)

Gene: TCF3 (transcription factor 3; minus strand). Cytogenetic location: 19p13.3.
Variant type: single nucleotide variant.
Coding change: c.1588A>G on transcript NM_001136139.4 (MANE Plus Clinical); coding-DNA position 1588, A replaced by G.
Protein change: p.Ser530Gly; replaces serine 530 with glycine.
Molecular consequence: missense variant. On other transcripts: intron variant (2).
Genome position (GRCh38, 1-based): chr19:1,612,432, T>C on the plus strand (A>G on the coding strand, the complement: TCF3 is on the minus strand). VCF-style: chr19-1612432-T-C. GRCh37 (hg19) VCF-style: chr19-1612431-T-C.
Other names: c.1588A>G, p.Ser530Gly (NM_001351779.2); c.1820-583A>G (NM_001351778.2); c.1823-583A>G (NM_003200.5); short protein forms S530G.
Identifiers: ClinVar variation 4704962 (VCV004704962.1).